The following is an entry in ClinVar:

ClinVar aggregate classification (germline): Pathogenic (1 of 4 stars; one submission).

Conditions:
Familial thoracic aortic aneurysm and aortic dissection (TAAD). Also called: Thoracic aortic aneurysms and dissections. Identifiers: Orphanet 91387, MedGen C4707243, MONDO:0019625.

Submission:

Labcorp Genetics (formerly Invitae), Labcorp
Classification: Pathogenic for Familial thoracic aortic aneurysm and aortic dissection. Last evaluated: 2022-03-18. Review status: criteria provided, single submitter. Criteria: Invitae Variant Classification Sherloc (09022015). Collection method: clinical testing. Allele origin: germline.
Comment: This sequence change replaces glutamic acid, which is acidic and polar, with lysine, which is basic and polar, at codon 239 of the TGFBR1 protein (p.Glu239Lys). This variant is not present in population databases (gnomAD no frequency). This missense change has been observed in individual(s) with clinical features of TGFBR1-related conditions (Invitae). In at least one individual the variant was observed to be de novo. Advanced modeling of protein sequence and biophysical properties (such as structural, functional, and spatial information, amino acid conservation, physicochemical variation, residue mobility, and thermodynamic stability) performed at Invitae indicates that this missense variant is expected to disrupt TGFBR1 protein function. For these reasons, this variant has been classified as Pathogenic.

NM_004612.4(TGFBR1):c.715G>A (p.Glu239Lys)

Gene: TGFBR1 (transforming growth factor beta receptor 1; plus strand). Cytogenetic location: 9q22.33.
Variant type: single nucleotide variant.
Coding change: c.715G>A on transcript NM_004612.4 (MANE Select); coding-DNA position 715, G replaced by A.
Protein change: p.Glu239Lys; replaces glutamic acid 239 with lysine.
Molecular consequence: missense variant.
Genome position (GRCh38, 1-based): chr9:99,137,999, G>A. VCF-style: chr9-99137999-G-A. GRCh37 (hg19) VCF-style: chr9-101900281-G-A.
Other names: c.484G>A, p.Glu162Lys (NM_001130916.3); c.727G>A, p.Glu243Lys (NM_001306210.2, NM_001407416.1); c.715G>A, p.Glu239Lys (NM_001407417.1); c.520G>A, p.Glu174Lys (NM_001407418.1, NM_001407419.1, NM_001407420.1 and 1 more transcripts); c.508G>A, p.Glu170Lys (NM_001407423.1, NM_001407424.1, NM_001407425.1 and 8 more transcripts); c.469G>A, p.Glu157Lys (NM_001407436.1); c.238G>A, p.Glu80Lys (NM_001407438.1); short protein forms E170K, E157K, E162K, E243K, E80K, E174K, E239K.
Identifiers: ClinVar variation 2073964 (VCV002073964.4), dbSNP rs2118717103, ClinGen allele CA374229771.
Genomic context (GRCh38, chr9:99,137,999, plus strand): 5'-GTTTGGAGAGGAAAGTGGCGGGGAGAAGAAGTTGCTGTTAAGATATTCTCCTCTAGAGAA[G>A]AACGTTCGTGGTTCCGTGAGGCAGAGATTTATCAAACTGTAATGTTACGTCATGAAAACA-3'
Protein context (NP_004603.1, residues 229-249): VAVKIFSSRE[Glu239Lys]RSWFREAEIY